The following is an entry in ClinVar:

NM_000340.2(SLC2A2):c.1068+1G>A

Gene: SLC2A2 (solute carrier family 2 member 2; minus strand). Cytogenetic location: 3q26.2.
Variant type: single nucleotide variant.
Coding change: c.1068+1G>A on transcript NM_000340.2 (MANE Select); the canonical splice donor site of the intron after coding-DNA position 1068, G replaced by A.
Molecular consequence: splice donor variant.
Genome position (GRCh38, 1-based): chr3:171,002,575, C>T on the plus strand (G>A on the coding strand, the complement: SLC2A2 is on the minus strand). VCF-style: chr3-171002575-C-T. GRCh37 (hg19) VCF-style: chr3-170720364-C-T.
Other names: c.711+1G>A (NM_001278658.2); c.549+1G>A (NM_001278659.2).
Identifiers: ClinVar variation 2430735 (VCV002430735.1), dbSNP rs756163471, ClinGen allele CA2702507.
Genomic context (GRCh38, chr3:171,002,575, plus strand): 5'-CCCCTCCTGCAATTTCTGGACTAAGGAACAAGCAGAGTATTTATCTAGGGCATTGACTTA[C>T]AGAGACAGCAGTGAAAACCATGTTTACAGCGCCAACTCCAATGGTTGCATAAACAGGTTT-3'

ClinVar aggregate classification (germline): Likely pathogenic (1 of 4 stars; one submission).

Allele frequency attached by ClinVar (database versions not stated): gnomAD 0.00001; TOPMed 0.00001; ExAC 0.00003.

Submission:

GeneDx
Classification: Likely pathogenic. Last evaluated: 2022-08-19. Review status: criteria provided, single submitter. Criteria: GeneDx Variant Classification Process June 2021. Collection method: clinical testing. Allele origin: germline. Affected: yes.
Comment: Identified in the heterozygous state using alternate nomenclature c.711+1G>A in a patient with tubulopathy, aminoaciduria, low-molecular weight proteinuria, and metabolic acidosis, however, a second variant was not identified (Zacchia et al., 2021); Canonical splice site variant expected to result in aberrant splicing, although in the absence of functional evidence the actual effect of this sequence change is unknown.; Not observed at significant frequency in large population cohorts (gnomAD); This variant is associated with the following publications: (PMID: 33964006)